The following is an entry in ClinVar:

NM_177438.3(DICER1):c.1853C>T (p.Pro618Leu)

Gene: DICER1 (dicer 1, ribonuclease III; minus strand). Cytogenetic location: 14q32.13.
Variant type: single nucleotide variant.
Coding change: c.1853C>T on transcript NM_177438.3 (MANE Select); coding-DNA position 1853, C replaced by T.
Protein change: p.Pro618Leu; replaces proline 618 with leucine.
Molecular consequence: missense variant.
Genome position (GRCh38, 1-based): chr14:95,115,721, G>A on the plus strand (C>T on the coding strand, the complement: DICER1 is on the minus strand). VCF-style: chr14-95115721-G-A. GRCh37 (hg19) VCF-style: chr14-95582058-G-A.
Other names: c.1853C>T, p.Pro618Leu (NM_001195573.1, NM_001271282.3, NM_001291628.2 and 1 more transcripts); short protein forms P618L.
Identifiers: ClinVar variation 643631 (VCV000643631.12), dbSNP rs1555372566, ClinGen allele CA390883986.

ClinVar aggregate classification (germline): Conflicting classifications of pathogenicity. Review status: criteria provided, conflicting classifications (1 of 4 stars). 2 submissions from 2 submitters: Uncertain significance (1); Likely benign (1). Last evaluated 2025-09-19.

Conditions:
Hereditary cancer-predisposing syndrome. Also called: Neoplastic Syndromes, Hereditary; Hereditary Cancer Syndrome; Hereditary neoplastic syndrome; Tumor predisposition. Identifiers: Orphanet 140162, MedGen C0027672, MeSH D009386, MONDO:0015356.
DICER1-related tumor predisposition. Also called: DICER1 syndrome; DICER1-related pleuropulmonary blastoma cancer predisposition syndrome. Identifiers: Orphanet 284343, MedGen C3839822, MONDO:0100216.

Allele frequency attached by ClinVar (database versions not stated): TOPMed below 0.00001.

Submissions (2):

Labcorp Genetics (formerly Invitae), Labcorp
Classification: Uncertain significance for DICER1-related tumor predisposition. Last evaluated: 2025-09-19. Review status: criteria provided, single submitter. Criteria: Invitae Variant Classification Sherloc (09022015). Collection method: clinical testing. Allele origin: germline.
Comment: This sequence change replaces proline, which is neutral and non-polar, with leucine, which is neutral and non-polar, at codon 618 of the DICER1 protein (p.Pro618Leu). This variant is not present in population databases (gnomAD no frequency). This variant has not been reported in the literature in individuals affected with DICER1-related conditions. ClinVar contains an entry for this variant (Variation ID: 643631). Invitae Evidence Modeling of protein sequence and biophysical properties (such as structural, functional, and spatial information, amino acid conservation, physicochemical variation, residue mobility, and thermodynamic stability) indicates that this missense variant is not expected to disrupt DICER1 protein function with a negative predictive value of 95%. In summary, the available evidence is currently insufficient to determine the role of this variant in disease. Therefore, it has been classified as a Variant of Uncertain Significance.

Ambry Genetics
Classification: Likely benign for Hereditary cancer-predisposing syndrome. Last evaluated: 2023-11-22. Review status: criteria provided, single submitter. Criteria: Ambry Variant Classification Scheme 2023. Collection method: clinical testing. Allele origin: germline.